The following is an entry in ClinVar:

ClinVar aggregate classification (germline): Uncertain significance (1 of 4 stars; one submission).

Allele frequency attached by ClinVar (database versions not stated): ExAC 0.00001; gnomAD 0.00001; TOPMed 0.00001.
gnomAD v4.1: 56 of 1,613,246 alleles (0.0035%); highest among the groups gnomAD compares: Non-Finnish European, 0.0047%; no homozygotes.

Submission:

Labcorp Genetics (formerly Invitae), Labcorp
Classification: Uncertain significance. Last evaluated: 2024-07-03. Review status: criteria provided, single submitter. Criteria: Invitae Variant Classification Sherloc (09022015). Collection method: clinical testing. Allele origin: germline.
Comment: This sequence change replaces aspartic acid, which is acidic and polar, with glutamic acid, which is acidic and polar, at codon 1067 of the GUCY2C protein (p.Asp1067Glu). This variant is present in population databases (rs759831615, gnomAD 0.005%). This variant has not been reported in the literature in individuals affected with GUCY2C-related conditions. Algorithms developed to predict the effect of missense changes on protein structure and function output the following: SIFT: "Not Available"; PolyPhen-2: "Benign"; Align-GVGD: "Not Available". The glutamic acid amino acid residue is found in multiple mammalian species, which suggests that this missense change does not adversely affect protein function. In summary, the available evidence is currently insufficient to determine the role of this variant in disease. Therefore, it has been classified as a Variant of Uncertain Significance.

NM_004963.4(GUCY2C):c.3201C>A (p.Asp1067Glu)

Genes: GUCY2C (guanylate cyclase 2C; minus strand), PLBD1-AS1 (PLBD1 antisense RNA 1; plus strand). Cytogenetic location: 12p12.3.
Variant type: single nucleotide variant.
Coding change: c.3201C>A on transcript NM_004963.4 (MANE Select); coding-DNA position 3201, C replaced by A.
Protein change: p.Asp1067Glu; replaces aspartic acid 1067 with glutamic acid.
Molecular consequence: missense variant.
Genome position (GRCh38, 1-based): chr12:14,613,138, G>T on the plus strand (C>A on the coding strand, the complement: GUCY2C is on the minus strand). VCF-style: chr12-14613138-G-T. GRCh37 (hg19) VCF-style: chr12-14766072-G-T.
Other names: short protein forms D1067E.
Identifiers: ClinVar variation 2722012 (VCV002722012.3), dbSNP rs759831615, ClinGen allele CA6462856.
Genomic context (GRCh38, chr12:14,613,138, plus strand): 5'-GTATTTTAATTTGTGTGAGTCCTTATACCTCATTTAGGTTTAAAAATAGGTGCTCTCCTT[G>T]TCTGTGGTATTCAGCTGCAAGTATTCCAGAGTGCCTTTTTTATAGCTGGCTACCCGTCTG-3'
Protein context (NP_004954.2, residues 1057-1073): TLEYLQLNTT[Asp1067Glu]KESTYF